The following is an entry in ClinVar:

NM_014141.6(CNTNAP2):c.2038G>A (p.Glu680Lys)

Gene: CNTNAP2 (contactin associated protein 2; plus strand). Cytogenetic location: 7q35.
Variant type: single nucleotide variant.
Coding change: c.2038G>A on transcript NM_014141.6 (MANE Select); coding-DNA position 2038, G replaced by A.
Protein change: p.Glu680Lys; replaces glutamic acid 680 with lysine.
Molecular consequence: missense variant.
Genome position (GRCh38, 1-based): chr7:147,639,246, G>A. VCF-style: chr7-147639246-G-A. GRCh37 (hg19) VCF-style: chr7-147336338-G-A.
Other names: short protein forms E680K.
Identifiers: ClinVar variation 910285 (VCV000910285.15), dbSNP rs368905425, ClinGen allele CA4546293.
Genomic context (GRCh38, chr7:147,639,246, plus strand): 5'-GTGACACAGCTCGTTTACAGCGCCTCCATGGACCAGATAAGTGCCATCACTGACAGTGCC[G>A]AGTACTGCGAGCAGTATGTCTCCTATTTCTGCAAGATGTCAAGATTGTTGAACACCCCAG-3'
Protein context (NP_054860.1, residues 670-690): DQISAITDSA[Glu680Lys]YCEQYVSYFC

ClinVar aggregate classification (germline): Uncertain significance. Review status: criteria provided, multiple submitters, no conflicts (2 of 4 stars). 5 submissions from 5 submitters: Uncertain significance (5). Last evaluated 2026-09-19.

Conditions:
Cortical dysplasia-focal epilepsy syndrome (PTHSL1). Also called: Pitt-Hopkins-like syndrome 1. Identifiers: Orphanet 163681, Orphanet 221150, MedGen C2750246, MONDO:0012400, OMIM 610042.

Allele frequency attached by ClinVar (database versions not stated): gnomAD exomes 0.00011 and 0.00010; ESP Exome Variant Server 0.00015; ExAC 0.00016; TOPMed 0.00005.
gnomAD v4.1: 162 of 1,613,966 alleles (0.01%); highest among the groups gnomAD compares: Non-Finnish European, 0.013%; no homozygotes.

Submissions (5):

GeneDx
Classification: Uncertain significance. Last evaluated: 2026-09-19. Review status: criteria provided, single submitter. Criteria: GeneDx Variant Classification Process June 2021. Collection method: clinical testing. Allele origin: germline.
Comment: Reported as a homozygous variant in a proband with autism who also harbors a homozygous likely pathogenic variant in the PEX6 gene (PMID: 30675382); In silico analysis supports that this missense variant has a deleterious effect on protein structure/function; This variant is associated with the following publications: (PMID: 18179895, 24807205, 30675382, 25621974, 30586385)

Blueprint Genetics
Classification: Uncertain significance. Last evaluated: 2023-03-27. Review status: criteria provided, single submitter. Criteria: ACMG Guidelines, 2015. Collection method: clinical testing. Allele origin: germline.

Labcorp Genetics (formerly Invitae), Labcorp
Classification: Uncertain significance for Cortical dysplasia-focal epilepsy syndrome. Last evaluated: 2021-09-01. Review status: criteria provided, single submitter. Criteria: Invitae Variant Classification Sherloc (09022015). Collection method: clinical testing. Allele origin: germline.
Comment: This sequence change replaces glutamic acid with lysine at codon 680 of the CNTNAP2 protein (p.Glu680Lys). The glutamic acid residue is highly conserved and there is a small physicochemical difference between glutamic acid and lysine. This variant is present in population databases (rs368905425, ExAC 0.03%). This variant has not been reported in the literature in individuals affected with CNTNAP2-related conditions. Algorithms developed to predict the effect of missense changes on protein structure and function are either unavailable or do not agree on the potential impact of this missense change (SIFT: "Deleterious"; PolyPhen-2: "Possibly Damaging"; Align-GVGD: "Class C0"). In summary, the available evidence is currently insufficient to determine the role of this variant in disease. Therefore, it has been classified as a Variant of Uncertain Significance.

Revvity Omics, Revvity
Classification: Uncertain significance for Cortical dysplasia-focal epilepsy syndrome. Last evaluated: 2021-07-08. Review status: criteria provided, single submitter. Criteria: ACMG Guidelines, 2015. Collection method: clinical testing. Allele origin: germline.

Illumina Laboratory Services, Illumina
Classification: Uncertain significance for Cortical dysplasia-focal epilepsy syndrome. Last evaluated: 2017-04-27. Review status: criteria provided, single submitter. Criteria: ICSL Variant Classification Criteria 13 December 2019. Collection method: clinical testing. Allele origin: germline.